The following is an entry in ClinVar:

ClinVar aggregate classification (germline): Pathogenic (1 of 4 stars; one submission).

Conditions:
Malignant hyperthermia, susceptibility to, 5 (MHS5). Also called: CACNA1S-Related Malignant Hyperthermia Susceptibility. Identifiers: Orphanet 423, MedGen C1866077, MONDO:0011163, OMIM 601887.
Hypokalemic periodic paralysis, type 1. Also called: HypoPP; Hypokalemic Periodic Paralysis Type 1 (AD). Identifiers: Orphanet 681, MedGen C3714580, MONDO:0042979, OMIM 170400.

Submission:

Labcorp Genetics (formerly Invitae), Labcorp
Classification: Pathogenic for Hypokalemic periodic paralysis, type 1; Malignant hyperthermia, susceptibility to, 5. Last evaluated: 2025-08-21. Review status: criteria provided, single submitter. Criteria: Invitae Variant Classification Sherloc (09022015). Collection method: clinical testing. Allele origin: germline.
Comment: This sequence change creates a premature translational stop signal (p.Leu816Trpfs*12) in the CACNA1S gene. It is expected to result in an absent or disrupted protein product. Loss-of-function variants in CACNA1S are known to be pathogenic (PMID: 26247046, 28012042). This variant is not present in population databases (gnomAD no frequency). This variant has not been reported in the literature in individuals affected with CACNA1S-related conditions. For these reasons, this variant has been classified as Pathogenic.

Literature cited by the submitters: PubMed 26247046; PubMed 28012042.

NM_000069.3(CACNA1S):c.2446del (p.Leu816fs)

Gene: CACNA1S (calcium voltage-gated channel subunit alpha1 S; minus strand). Cytogenetic location: 1q32.1.
Variant type: Deletion.
Coding change: c.2446del on transcript NM_000069.3 (MANE Select); coding-DNA position 2446, one base deleted (C; older notation c.2446delC).
Protein change: p.Leu816fs; shifts the reading frame from leucine 816.
Molecular consequence: frameshift variant.
Genome position (GRCh38, 1-based): chr1:201,069,516, G deleted on the plus strand (C on the coding strand, the reverse complement: CACNA1S is on the minus strand). VCF-style (leftmost placement, unchanged base first): chr1-201069515-AG-A. GRCh37 (hg19) VCF-style: chr1-201038643-AG-A.
Other names: short protein forms L816fs.
Identifiers: ClinVar variation 4785930 (VCV004785930.1).